The following is an entry in ClinVar:

ClinVar aggregate classification (germline): Uncertain significance (1 of 4 stars; one submission).

Conditions:
Inborn genetic diseases. Identifiers: MedGen C0950123, MeSH D030342.

Submission:

Ambry Genetics
Classification: Uncertain significance for Inborn genetic diseases. Last evaluated: 2024-08-09. Review status: criteria provided, single submitter. Criteria: Ambry Variant Classification Scheme 2023. Collection method: clinical testing. Allele origin: germline.
Comment: The p.I456T variant (also known as c.1367T>C), located in coding exon 10 of the BUB1B gene, results from a T to C substitution at nucleotide position 1367. The isoleucine at codon 456 is replaced by threonine, an amino acid with similar properties. This amino acid position is conserved. In addition, this alteration is predicted to be tolerated by in silico analysis. Based on the available evidence, the clinical significance of this variant remains unclear.

NM_001211.6(BUB1B):c.1367T>C (p.Ile456Thr)

Gene: BUB1B (BUB1 mitotic checkpoint serine/threonine kinase B; plus strand). Cytogenetic location: 15q15.1.
Variant type: single nucleotide variant.
Coding change: c.1367T>C on transcript NM_001211.6 (MANE Select); coding-DNA position 1367, T replaced by C.
Protein change: p.Ile456Thr; replaces isoleucine 456 with threonine.
Molecular consequence: missense variant.
Genome position (GRCh38, 1-based): chr15:40,199,693, T>C. VCF-style: chr15-40199693-T-C. GRCh37 (hg19) VCF-style: chr15-40491894-T-C.
Other names: short protein forms I456T.
Identifiers: ClinVar variation 3483167 (VCV003483167.1).